The following is an entry in ClinVar:

NM_001291415.2(KDM6A):c.883T>G (p.Ser295Ala)

Gene: KDM6A (lysine demethylase 6A; plus strand). Cytogenetic location: Xp11.3.
Variant type: single nucleotide variant.
Coding change: c.883T>G on transcript NM_001291415.2 (MANE Select); coding-DNA position 883, T replaced by G.
Protein change: p.Ser295Ala; replaces serine 295 with alanine.
Molecular consequence: missense variant. On other transcripts: non-coding transcript variant (1).
Genome position (GRCh38, 1-based): chrX:45,059,013, T>G. VCF-style: chrX-45059013-T-G. GRCh37 (hg19) VCF-style: chrX-44918258-T-G.
Other names: c.883T>G, p.Ser295Ala (NM_001291416.2, NM_001291417.2, NM_021140.4 and 9 more transcripts); c.130T>G, p.Ser44Ala (NM_001291421.2); short protein forms S295A, S44A.
Identifiers: ClinVar variation 2744425 (VCV002744425.3), dbSNP rs755266795, ClinGen allele CA10392293.

ClinVar aggregate classification (germline): Uncertain significance (1 of 4 stars; one submission).

Conditions:
Kabuki syndrome 2 (KABUK2). Also called: KDM6A-Related Kabuki Syndrome. Identifiers: Orphanet 2322, MedGen C3275495, MONDO:0010465, OMIM 300867.

Submission:

Labcorp Genetics (formerly Invitae), Labcorp
Classification: Uncertain significance for Kabuki syndrome 2. Last evaluated: 2023-07-17. Review status: criteria provided, single submitter. Criteria: Invitae Variant Classification Sherloc (09022015). Collection method: clinical testing. Allele origin: germline.
Comment: In summary, the available evidence is currently insufficient to determine the role of this variant in disease. Therefore, it has been classified as a Variant of Uncertain Significance. Advanced modeling of protein sequence and biophysical properties (such as structural, functional, and spatial information, amino acid conservation, physicochemical variation, residue mobility, and thermodynamic stability) performed at Invitae indicates that this missense variant is not expected to disrupt KDM6A protein function. This variant has not been reported in the literature in individuals affected with KDM6A-related conditions. This variant is not present in population databases (gnomAD no frequency). This sequence change replaces serine, which is neutral and polar, with alanine, which is neutral and non-polar, at codon 295 of the KDM6A protein (p.Ser295Ala).